The following is an entry in ClinVar:

ClinVar aggregate classification (germline): Uncertain significance. Review status: criteria provided, multiple submitters, no conflicts (2 of 4 stars). 2 submissions from 2 submitters: Uncertain significance (2). Last evaluated 2025-02-19.

Allele frequency attached by ClinVar (database versions not stated): ExAC 0.00001; gnomAD 0.00003 and 0.00004; gnomAD exomes 0.00003 and 0.00004; TOPMed 0.00003; ESP Exome Variant Server 0.00015.

Submissions (2):

Ambry Genetics
Classification: Uncertain significance. Last evaluated: 2025-02-19. Review status: criteria provided, single submitter. Criteria: Ambry Variant Classification Scheme 2023. Collection method: clinical testing. Allele origin: germline.

Labcorp Genetics (formerly Invitae), Labcorp
Classification: Uncertain significance. Last evaluated: 2022-06-24. Review status: criteria provided, single submitter. Criteria: Invitae Variant Classification Sherloc (09022015). Collection method: clinical testing. Allele origin: germline.
Comment: Algorithms developed to predict the effect of missense changes on protein structure and function output the following: SIFT: "Tolerated"; PolyPhen-2: "Benign"; Align-GVGD: "Class C0". The isoleucine amino acid residue is found in multiple mammalian species, which suggests that this missense change does not adversely affect protein function. This variant has not been reported in the literature in individuals affected with SUCO-related conditions. This variant is present in population databases (rs148836732, gnomAD 0.009%). This sequence change replaces methionine, which is neutral and non-polar, with isoleucine, which is neutral and non-polar, at codon 1150 of the SUCO protein (p.Met1150Ile). In summary, the available evidence is currently insufficient to determine the role of this variant in disease. Therefore, it has been classified as a Variant of Uncertain Significance.

NM_014283.5(SUCO):c.3450G>T (p.Met1150Ile)

Gene: SUCO (SUN domain containing ossification factor; plus strand). Cytogenetic location: 1q24.3.
Variant type: single nucleotide variant.
Coding change: c.3450G>T on transcript NM_014283.5 (MANE Select); coding-DNA position 3450, G replaced by T.
Protein change: p.Met1150Ile; replaces methionine 1150 with isoleucine.
Molecular consequence: missense variant.
Genome position (GRCh38, 1-based): chr1:172,609,944, G>T. VCF-style: chr1-172609944-G-T. GRCh37 (hg19) VCF-style: chr1-172579084-G-T.
Other names: c.3450G>T (NM_014283.3); c.2337G>T, p.Met779Ile (NM_001282750.2); c.1761G>T, p.Met587Ile (NM_001282751.2); c.3903G>T, p.Met1301Ile (NM_016227.4); short protein forms M779I, M1150I, M1301I, M587I.
Identifiers: ClinVar variation 1519065 (VCV001519065.7), dbSNP rs148836732, ClinGen allele CA1247360.